The following is an entry in ClinVar:

ClinVar aggregate classification (germline): Likely benign. Review status: criteria provided, multiple submitters, no conflicts (2 of 4 stars). 3 submissions from 3 submitters: Likely benign (3). Last evaluated 2026-02-03.

Conditions:
Inborn genetic diseases. Identifiers: MedGen C0950123, MeSH D030342.

Allele frequency attached by ClinVar (database versions not stated): gnomAD exomes 0.00002; TOPMed 0.00002; ExAC 0.00003; gnomAD 0.00001.
gnomAD v4.1: 16 of 1,614,036 alleles (0.00099%); highest among the groups gnomAD compares: Admixed American, 0.0033%; no homozygotes.

Submissions (3):

Labcorp Genetics (formerly Invitae), Labcorp
Classification: Likely benign. Last evaluated: 2026-02-03. Review status: criteria provided, single submitter. Criteria: Invitae Variant Classification Sherloc (09022015). Collection method: clinical testing. Allele origin: germline.

CeGaT Center for Human Genetics Tuebingen
Classification: Likely benign. Last evaluated: 2022-05-01. Review status: criteria provided, single submitter. Criteria: CeGaT Center For Human Genetics Tuebingen Variant Classification Criteria Version 2. Collection method: clinical testing. Allele origin: germline. Affected: yes. Observed: 1 variant allele.
Comment: NSD1: BP4, BP7

Ambry Genetics
Classification: Likely benign for Inborn genetic diseases. Last evaluated: 2016-11-08. Review status: criteria provided, single submitter. Criteria: Ambry Variant Classification Scheme 2023. Collection method: clinical testing. Allele origin: germline.

NM_022455.5(NSD1):c.7137A>G (p.Ser2379=)

Gene: NSD1 (nuclear receptor binding SET domain protein 1; plus strand). Cytogenetic location: 5q35.3.
Variant type: single nucleotide variant.
Coding change: c.7137A>G on transcript NM_022455.5 (MANE Select); coding-DNA position 7137, A replaced by G.
Protein change: p.Ser2379=; no amino-acid change (serine 2379 retained).
Molecular consequence: synonymous variant.
Genome position (GRCh38, 1-based): chr5:177,294,505, A>G. VCF-style: chr5-177294505-A-G. GRCh37 (hg19) VCF-style: chr5-176721506-A-G.
Other names: c.6264A>G, p.Ser2088= (NM_001365684.2, NM_001409308.1, NM_172349.5); c.7137A>G, p.Ser2379= (NM_001409301.1, NM_001409302.1, NM_001409303.1); c.6717A>G, p.Ser2239= (NM_001409304.1); c.6384A>G, p.Ser2128= (NM_001409305.1); c.6375A>G, p.Ser2125= (NM_001409306.1, NM_001409307.1); c.6015A>G, p.Ser2005= (NM_001409309.1).
Identifiers: ClinVar variation 588521 (VCV000588521.36), dbSNP rs762447935, ClinGen allele CA3578094.
Genomic context (GRCh38, chr5:177,294,505, plus strand): 5'-AAGGCTGGATAAATCCATAGGTGCTGCCAGCCCAAGGCCCCAGTCACTGGAGAAAACCTC[A>G]GTTCCCACTGGCCTGAGACTTCCGCCGCCAGACAGACTGCTCATTACTAGCAGTCCCAAA-3'
Protein context (NP_071900.2, residues 2369-2389): SPRPQSLEKT[Ser2379=]VPTGLRLPPP